The following is an entry in ClinVar:

ClinVar aggregate classification (germline): Uncertain significance. Review status: criteria provided, multiple submitters, no conflicts (2 of 4 stars). 3 submissions from 3 submitters: Uncertain significance (3). Last evaluated 2024-05-22.

Conditions:
Simpson-Golabi-Behmel syndrome type 1 (SGBS1). Also called: GPC3-Related Simpson-Golabi-Behmel Syndrome Type 1; SIMPSON DYSMORPHIA SYNDROME; BULLDOG SYNDROME; DYSPLASIA GIGANTISM SYNDROME, X-LINKED; GOLABI-ROSEN SYNDROME. Identifiers: Orphanet 373, MedGen C0796154, MONDO:0020602, OMIM 312870.
Wilms tumor 1 (WT1). Also called: Wilms tumor, somatic. Identifiers: Orphanet 654, MedGen CN033288, MONDO:0008679, OMIM 194070.

Allele frequency attached by ClinVar (database versions not stated): gnomAD exomes 0.00001.
gnomAD v4.1: 12 of 1,208,139 alleles (0.00099%); highest among the groups gnomAD compares: East Asian, 0.003%; no homozygotes.

Submissions (3):

Revvity Omics, Revvity
Classification: Uncertain significance for Simpson-Golabi-Behmel syndrome type 1. Last evaluated: 2024-05-22. Review status: criteria provided, single submitter. Criteria: ACMG Guidelines, 2015. Collection method: clinical testing. Allele origin: germline.

Labcorp Genetics (formerly Invitae), Labcorp
Classification: Uncertain significance for Wilms tumor 1. Last evaluated: 2024-04-30. Review status: criteria provided, single submitter. Criteria: Invitae Variant Classification Sherloc (09022015). Collection method: clinical testing. Allele origin: germline.
Comment: This sequence change replaces arginine, which is basic and polar, with histidine, which is basic and polar, at codon 521 of the GPC3 protein (p.Arg521His). This variant is not present in population databases (gnomAD no frequency). This variant has not been reported in the literature in individuals affected with GPC3-related conditions. ClinVar contains an entry for this variant (Variation ID: 855265). An algorithm developed to predict the effect of missense changes on protein structure and function (PolyPhen-2) suggests that this variant is likely to be disruptive. In summary, the available evidence is currently insufficient to determine the role of this variant in disease. Therefore, it has been classified as a Variant of Uncertain Significance.

Fulgent Genetics
Classification: Uncertain significance for Wilms tumor 1; Simpson-Golabi-Behmel syndrome type 1. Last evaluated: 2021-10-28. Review status: criteria provided, single submitter. Criteria: ACMG Guidelines, 2015. Collection method: clinical testing. Allele origin: unknown.

NM_004484.4(GPC3):c.1562G>A (p.Arg521His)

Gene: GPC3 (glypican 3; minus strand). Cytogenetic location: Xq26.2.
Variant type: single nucleotide variant.
Coding change: c.1562G>A on transcript NM_004484.4 (MANE Select); coding-DNA position 1562, G replaced by A.
Protein change: p.Arg521His; replaces arginine 521 with histidine.
Molecular consequence: missense variant.
Genome position (GRCh38, 1-based): chrX:133,596,451, C>T on the plus strand (G>A on the coding strand, the complement: GPC3 is on the minus strand). VCF-style: chrX-133596451-C-T. GRCh37 (hg19) VCF-style: chrX-132730479-C-T.
Other names: c.1631G>A, p.Arg544His (NM_001164617.2); c.1514G>A, p.Arg505His (NM_001164618.2); c.1400G>A, p.Arg467His (NM_001164619.2); short protein forms R505H, R521H, R544H, R467H.
Identifiers: ClinVar variation 855265 (VCV000855265.12), dbSNP rs2069915768, ClinGen allele CA414700682.